The following is an entry in ClinVar:

NM_001904.4(CTNNB1):c.77A>G (p.Gln26Arg)

Genes: CTNNB1 (catenin beta 1; plus strand), LOC126806658 (BRD4-independent group 4 enhancer GRCh37_chr3:41265899-41267098; plus strand). Cytogenetic location: 3p22.1.
Variant type: single nucleotide variant.
Coding change: c.77A>G on transcript NM_001904.4 (MANE Select); coding-DNA position 77, A replaced by G.
Protein change: p.Gln26Arg; replaces glutamine 26 with arginine.
Molecular consequence: missense variant.
Genome position (GRCh38, 1-based): chr3:41,224,589, A>G. VCF-style: chr3-41224589-A-G. GRCh37 (hg19) VCF-style: chr3-41266080-A-G.
Other names: c.77A>G, p.Gln26Arg (NM_001098209.2, NM_001098210.2); c.56A>G, p.Gln19Arg (NM_001330729.2); short protein forms Q26R, Q19R.
Identifiers: ClinVar variation 2757367 (VCV002757367.3), dbSNP rs2125617063, ClinGen allele CA352228465.
Genomic context (GRCh38, chr3:41,224,589, plus strand): 5'-ATTTGATGGAGTTGGACATGGCCATGGAACCAGACAGAAAAGCGGCTGTTAGTCACTGGC[A>G]GCAACAGTCTTACCTGGACTCTGGAATCCATTCTGGTGCCACTACCACAGCTCCTTCTCT-3'
Protein context (NP_001895.1, residues 16-36): PDRKAAVSHW[Gln26Arg]QQSYLDSGIH

ClinVar aggregate classification (germline): Uncertain significance (1 of 4 stars; one submission).

Submission:

Labcorp Genetics (formerly Invitae), Labcorp
Classification: Uncertain significance. Last evaluated: 2023-09-01. Review status: criteria provided, single submitter. Criteria: Invitae Variant Classification Sherloc (09022015). Collection method: clinical testing. Allele origin: germline.
Comment: Advanced modeling of protein sequence and biophysical properties (such as structural, functional, and spatial information, amino acid conservation, physicochemical variation, residue mobility, and thermodynamic stability) performed at Invitae indicates that this missense variant is not expected to disrupt CTNNB1 protein function. This sequence change replaces glutamine, which is neutral and polar, with arginine, which is basic and polar, at codon 26 of the CTNNB1 protein (p.Gln26Arg). This variant is not present in population databases (gnomAD no frequency). This variant has not been reported in the literature in individuals affected with CTNNB1-related conditions. In summary, the available evidence is currently insufficient to determine the role of this variant in disease. Therefore, it has been classified as a Variant of Uncertain Significance.